The following is an entry in ClinVar:

ClinVar aggregate classification (germline): Uncertain significance (1 of 4 stars; one submission).

Conditions:
Adult hypophosphatasia. Identifiers: Orphanet 247676, Orphanet 436, MedGen C0268413, MONDO:1010154, OMIM 146300, MONDO:0007798.

Submission:

Diagnostics Services (NGS), CSIR - Centre For Cellular And Molecular Biology
Classification: Uncertain significance for Adult hypophosphatasia. Last evaluated: 2023-02-01. Review status: criteria provided, single submitter. Criteria: ACMG Guidelines, 2015. Collection method: clinical testing. Allele origin: unknown. Affected: yes. Observed: 1 variant allele, 1 heterozygote.
Comment: The c.1468A>C variant is not present in publicly available databases like 1000 Genomes, EVS, ExAC, gnomAD, Indian Exome Database or our in-house exome database. This variant has neither been published in literature nor reported to clinical databases like ClinVar, Human Genome Mutation Database (HGMD) or OMIM databases, in any affected individuals. Predictions from different in-silico pathogenicity prediction programs like SIFT, PolyPhen-2, MutationTaster2, CADD etc. are contradictory. This variant is located in a mutational hotspot region and an alternative variant at this position (c.1468A>T, p.Ile490Phe) was previously observed several times in patients affected with Hypophosphatasia, published several times in literature and reported to HGMD (ID: CM012064) and Uniprot Variants (ID: VAR_014000) as 'pathogenic/likely pathogenic' (PMID:11479741).

NM_000478.6(ALPL):c.1468A>C (p.Ile490Leu)

Gene: ALPL (alkaline phosphatase, biomineralization associated; plus strand). Cytogenetic location: 1p36.12.
Variant type: single nucleotide variant.
Coding change: c.1468A>C on transcript NM_000478.6 (MANE Select); coding-DNA position 1468, A replaced by C.
Protein change: p.Ile490Leu; replaces isoleucine 490 with leucine.
Molecular consequence: missense variant.
Genome position (GRCh38, 1-based): chr1:21,577,541, A>C. VCF-style: chr1-21577541-A-C. GRCh37 (hg19) VCF-style: chr1-21904034-A-C.
Other names: c.1303A>C, p.Ile435Leu (NM_001127501.4); c.1237A>C, p.Ile413Leu (NM_001177520.3); c.1468A>C, p.Ile490Leu (NM_001369803.2, NM_001369804.2, NM_001369805.2); short protein forms I413L, I435L, I490L.
Identifiers: ClinVar variation 2413183 (VCV002413183.4), dbSNP rs1644756699, ClinGen allele CA338882311.